The following is an entry in ClinVar:

NM_175914.5(HNF4A):c.*7G>A

Gene: HNF4A (hepatocyte nuclear factor 4 alpha; plus strand). Cytogenetic location: 20q13.12.
Variant type: single nucleotide variant.
Coding change: c.*7G>A on transcript NM_175914.5 (MANE Select); 7 bases downstream of the stop codon, G replaced by A.
Molecular consequence: 3 prime UTR variant.
Genome position (GRCh38, 1-based): chr20:44,429,672, G>A. VCF-style: chr20-44429672-G-A. GRCh37 (hg19) VCF-style: chr20-43058312-G-A.
Other names: c.*7G>A (NM_000457.6, NM_001030003.3, NM_001258355.2 and 3 more transcripts).
Identifiers: ClinVar variation 899352 (VCV000899352.7), dbSNP rs186057842, ClinGen allele CA9870548.
Genomic context (GRCh38, chr20:44,429,672, plus strand): 5'-AAGCCCCTCTCTGCCATCCCCCAGCCGACCATCACCAAGCAGGAAGTTATCTAGCAAGCC[G>A]CTGGGGCTTGGGGGCTCCACTGGCTCCCCCCAGCCCCCTAAGAGAGCACCTGGTGATCAC-3'

ClinVar aggregate classification (germline): Benign/Likely benign. Review status: criteria provided, multiple submitters, no conflicts (2 of 4 stars). 4 submissions from 3 submitters: Benign (3); Likely benign (1). Last evaluated 2025-04-22.

Conditions:
Maturity-onset diabetes of the young type 1. Also called: MODY, type I; MILD JUVENILE DIABETES MELLITUS; MODY type 1; Diabetes mellitus MODY type 1; MODY HNF4A related; HNF4A-Related Maturity-Onset Diabetes of the Young Type 1. Identifiers: Orphanet 552, MedGen C1852093, MONDO:0007452, OMIM 125850. Disease mechanism: loss of function.
Familial hyperinsulinism. Also called: Congenital hyperinsulinism. Identifiers: Orphanet 276525, MedGen C3888018, MONDO:0017182. Disease mechanism: loss of function.

Allele frequency attached by ClinVar (database versions not stated): gnomAD exomes 0.00030 and 0.00049; 1000 Genomes Project 30x 0.00031; 1000 Genomes Project 0.00040; gnomAD 0.00041 and 0.00043; ExAC 0.00045; TOPMed 0.00046; ESP Exome Variant Server 0.00062.
gnomAD v4.1: 510 of 1,613,944 alleles (0.032%); highest among the groups gnomAD compares: East Asian, 0.24%; 2 homozygotes.

Submissions (4):

Women's Health and Genetics/Laboratory Corporation of America, LabCorp
Classification: Benign. Last evaluated: 2025-04-22. Review status: criteria provided, single submitter. Criteria: LabCorp Variant Classification Summary - May 2015. Collection method: clinical testing. Allele origin: germline.

Blueprint Genetics
Classification: Likely benign. Last evaluated: 2024-08-09. Review status: criteria provided, single submitter. Criteria: ACMG Guidelines, 2015. Collection method: clinical testing. Allele origin: germline.

Illumina Laboratory Services, Illumina
Classification: Benign for Familial hyperinsulinism. Last evaluated: 2017-04-28. Review status: criteria provided, single submitter. Criteria: ICSL Variant Classification Criteria 13 December 2019. Collection method: clinical testing. Allele origin: germline.
Comment: This variant was observed as part of a predisposition screen in an ostensibly healthy population. A literature search was performed for the gene, cDNA change, and amino acid change (where applicable). Publications were found based on this search. The evidence from the literature, in combination with allele frequency data from public databases where available, was sufficient to rule this variant out of causing disease. Therefore, this variant is classified as benign.

Illumina Laboratory Services, Illumina
Classification: Benign for Maturity-onset diabetes of the young type 1. Last evaluated: 2017-04-28. Review status: criteria provided, single submitter. Criteria: ICSL Variant Classification Criteria 13 December 2019. Collection method: clinical testing. Allele origin: germline.
Comment: This variant was observed as part of a predisposition screen in an ostensibly healthy population. A literature search was performed for the gene, cDNA change, and amino acid change (where applicable). No publications were found based on this search. Allele frequency data from public databases was too high to be consistent with this variant causing disease. Therefore, this variant is classified as benign.

Literature cited by the submitters: PubMed 26740944 (cited by Illumina Laboratory Services, Illumina).